The following is an entry in ClinVar:

NM_001035.3(RYR2):c.8305G>C (p.Glu2769Gln)

Gene: RYR2 (ryanodine receptor 2; plus strand). Cytogenetic location: 1q43.
Variant type: single nucleotide variant.
Coding change: c.8305G>C on transcript NM_001035.3 (MANE Select); coding-DNA position 8305, G replaced by C.
Protein change: p.Glu2769Gln; replaces glutamic acid 2769 with glutamine.
Molecular consequence: missense variant.
Genome position (GRCh38, 1-based): chr1:237,660,816, G>C. VCF-style: chr1-237660816-G-C. GRCh37 (hg19) VCF-style: chr1-237824116-G-C.
Other names: short protein forms E2769Q.
Identifiers: ClinVar variation 3633813 (VCV003633813.2).
Genomic context (GRCh38, chr1:237,660,816, plus strand): 5'-CATTTTTATTTACATTCATAATATATCTGTTGTTTCTTGTTTTTTCTTCTCTAGGAAAAA[G>C]AAATTTATCGCTGGCCAATCAAAGAATCTTTAAAAACTATGCTGGCTTGGGGCTGGAGAA-3'
Protein context (NP_001026.2, residues 2759-2779): PYKLLSEKEK[Glu2769Gln]IYRWPIKESL

ClinVar aggregate classification (germline): Uncertain significance (1 of 4 stars; one submission).

Conditions:
Catecholaminergic polymorphic ventricular tachycardia 1. Also called: VENTRICULAR TACHYCARDIA, CATECHOLAMINERGIC POLYMORPHIC, 1, WITH OR WITHOUT ATRIAL DYSFUNCTION AND/OR DILATED CARDIOMYOPATHY; RYR2-Related Catecholaminergic Polymorphic Ventricular Tachycardia; VENTRICULAR TACHYCARDIA, STRESS-INDUCED POLYMORPHIC 1. Identifiers: Orphanet 3286, MedGen C1631597, MONDO:0011484, OMIM 604772.

Submission:

Labcorp Genetics (formerly Invitae), Labcorp
Classification: Uncertain significance for Catecholaminergic polymorphic ventricular tachycardia 1. Last evaluated: 2024-03-25. Review status: criteria provided, single submitter. Criteria: Invitae Variant Classification Sherloc (09022015). Collection method: clinical testing. Allele origin: germline.
Comment: This sequence change replaces glutamic acid, which is acidic and polar, with glutamine, which is neutral and polar, at codon 2769 of the RYR2 protein (p.Glu2769Gln). This variant is not present in population databases (gnomAD no frequency). This variant has not been reported in the literature in individuals affected with RYR2-related conditions. Advanced modeling of protein sequence and biophysical properties (such as structural, functional, and spatial information, amino acid conservation, physicochemical variation, residue mobility, and thermodynamic stability) has been performed at Invitae for this missense variant, however the output from this modeling did not meet the statistical confidence thresholds required to predict the impact of this variant on RYR2 protein function. In summary, the available evidence is currently insufficient to determine the role of this variant in disease. Therefore, it has been classified as a Variant of Uncertain Significance.